The following is an entry in ClinVar:

GRCh37/hg19 15q13.3(chr15:31982511-32444044)x1

Gene: CHRNA7 (cholinergic receptor nicotinic alpha 7 subunit). Cytogenetic location: 15q13.3.
Variant type: copy number loss.
Change: copy number 1 (one copy instead of two) of chr15:31,982,511-32,444,044 (461.5 kb, GRCh37 coordinates, 1-based), cytogenetic band 15q13.3.
Identifiers: ClinVar variation 4682867 (VCV004682867.1).

ClinVar aggregate classification (germline): Pathogenic (1 of 4 stars; one submission).

Submission:

Quest Diagnostics Nichols Institute San Juan Capistrano
Classification: Pathogenic. Last evaluated: 2025-06-12. Review status: criteria provided, single submitter. Criteria: ACMG/ClinGen CNV Guidelines, 2019. Collection method: clinical testing. Allele origin: unknown.
Comment: Similar deletions of 15q13.3 (D-CHRNA7 to BP5), which are contained within the larger 15q13.3 recurrent deletion region, are associated with a spectrum of neurodevelopmental disorders (Shinawi 2009, Masurel-Paulet 2010, Hoppman-Chaney 2013, Mikhail 2011, Bregje 2022). Deletions of this region are frequently inherited from a mildly affected or a normal parent (Liao 2011, Bregje 2022); however, a case control study showed this deletion is enriched in a clinical population (Coe 2014). Thus, this copy number variant is classified as pathogenic with reduced penetrance and variable expressivity. References: Bregje et al. GeneReviews? [Internet]. 2022 Nov 17. PMID: 21290787 Coe et al. Nat Genet. 2014 46(10):1063-71. PMID: 25217958 Hoppman-Chaney et al. Clin Genet. 2013 Apr;83(4):345-51. PMID: 22775350 Liao et al., Am J Med Genet A. 2011 Nov;155A(11):2795-800. PMID: 21990074 Masurel-Paulet et al. Clin Genet. 2010 Aug;78(2):149-61. PMID: 20236110 Mikhail et al., Am J Med Genet A. 2011 Oct;155A(10):2386-96. PMID: 22031302 Shinawi et al. Nat Genet. 2009 Dec;41(12):1269-71. PMID: 19898479